The following is an entry in ClinVar:

ClinVar aggregate classification (germline): Uncertain significance (1 of 4 stars; one submission).

Conditions:
Inborn genetic diseases. Identifiers: MedGen C0950123, MeSH D030342.

Submission:

Ambry Genetics
Classification: Uncertain significance for Inborn genetic diseases. Last evaluated: 2026-01-19. Review status: criteria provided, single submitter. Criteria: Ambry Variant Classification Scheme 2023. Collection method: clinical testing. Allele origin: germline.
Comment: The p.R396S variant (also known as c.1188A>T), located in coding exon 7 of the ETV6 gene, results from an A to T substitution at nucleotide position 1188. The arginine at codon 396 is replaced by serine, an amino acid with dissimilar properties. This amino acid position is conserved. In addition, this alteration is predicted to be deleterious by in silico analysis. Based on the available evidence, the clinical significance of this variant remains unclear.

NM_001987.5(ETV6):c.1188A>T (p.Arg396Ser)

Gene: ETV6 (ETS variant transcription factor 6; plus strand). Cytogenetic location: 12p13.2.
Variant type: single nucleotide variant.
Coding change: c.1188A>T on transcript NM_001987.5 (MANE Select); coding-DNA position 1188, A replaced by T.
Protein change: p.Arg396Ser; replaces arginine 396 with serine.
Molecular consequence: missense variant. On other transcripts: intron variant (1).
Genome position (GRCh38, 1-based): chr12:11,885,961, A>T. VCF-style: chr12-11885961-A-T. GRCh37 (hg19) VCF-style: chr12-12038895-A-T.
Other names: c.1185A>T, p.Arg395Ser (NM_001413913.1); c.1161A>T, p.Arg387Ser (NM_001413914.1); c.924A>T, p.Arg308Ser (NM_001413915.1); c.1010-4980A>T (NM_001413917.1); short protein forms R387S, R308S, R395S, R396S.
Identifiers: ClinVar variation 4824058 (VCV004824058.1).